The following is an entry in ClinVar:

NM_030957.4(ADAMTS10):c.1231G>T (p.Ala411Ser)

Gene: ADAMTS10 (ADAM metallopeptidase with thrombospondin type 1 motif 10; minus strand). Cytogenetic location: 19p13.2.
Variant type: single nucleotide variant.
Coding change: c.1231G>T on transcript NM_030957.4 (MANE Select); coding-DNA position 1231, G replaced by T.
Protein change: p.Ala411Ser; replaces alanine 411 with serine.
Molecular consequence: missense variant.
Genome position (GRCh38, 1-based): chr19:8,596,179, C>A on the plus strand (G>T on the coding strand, the complement: ADAMTS10 is on the minus strand). VCF-style: chr19-8596179-C-A. GRCh37 (hg19) VCF-style: chr19-8661063-C-A.
Other names: short protein forms A411S.
Identifiers: ClinVar variation 2074524 (VCV002074524.4), dbSNP rs200475700, ClinGen allele CA403755415.

ClinVar aggregate classification (germline): Uncertain significance (1 of 4 stars; one submission).

Submission:

Labcorp Genetics (formerly Invitae), Labcorp
Classification: Uncertain significance. Last evaluated: 2022-04-28. Review status: criteria provided, single submitter. Criteria: Invitae Variant Classification Sherloc (09022015). Collection method: clinical testing. Allele origin: germline.
Comment: This sequence change replaces alanine, which is neutral and non-polar, with serine, which is neutral and polar, at codon 411 of the ADAMTS10 protein (p.Ala411Ser). This variant is not present in population databases (gnomAD no frequency). This variant has not been reported in the literature in individuals affected with ADAMTS10-related conditions. Algorithms developed to predict the effect of missense changes on protein structure and function output the following: SIFT: "Tolerated"; PolyPhen-2: "Benign"; Align-GVGD: "Class C0". The serine amino acid residue is found in multiple mammalian species, which suggests that this missense change does not adversely affect protein function. In summary, the available evidence is currently insufficient to determine the role of this variant in disease. Therefore, it has been classified as a Variant of Uncertain Significance.